The following is an entry in ClinVar:

ClinVar aggregate classification (germline): Uncertain significance (1 of 4 stars; one submission).

Conditions:
Holoprosencephaly 3 (HPE3). Identifiers: Orphanet 2162, MedGen C1840529, MONDO:0007733, OMIM 142945.

Submission:

Labcorp Genetics (formerly Invitae), Labcorp
Classification: Uncertain significance for Holoprosencephaly 3. Last evaluated: 2022-07-05. Review status: criteria provided, single submitter. Criteria: Invitae Variant Classification Sherloc (09022015). Collection method: clinical testing. Allele origin: germline.
Comment: This variant occurs in a non-coding region of the SHH gene. It does not change the encoded amino acid sequence of the SHH protein. This variant is not present in population databases (gnomAD no frequency). This variant has not been reported in the literature in individuals affected with SHH-related conditions. Experimental studies and prediction algorithms are not available or were not evaluated, and the functional significance of this variant is currently unknown. In summary, the available evidence is currently insufficient to determine the role of this variant in disease. Therefore, it has been classified as a Variant of Uncertain Significance.

NC_000007.14:g.156764018T>C

Genes: LMBR1 (limb development membrane protein 1; minus strand), SHH (sonic hedgehog signaling molecule; minus strand). Cytogenetic location: 7q36.3.
Variant type: single nucleotide variant.
Molecular consequence: intron variant (on NM_022458.4).
Genome position: GRCh38 VCF-style: chr7-156764018-T-C. GRCh37 (hg19) VCF-style: chr7-156556712-T-C.
Other names: c.361-223A>G (NM_001363412.2); c.145-223A>G (NM_001350954.2); c.424-223A>G (NM_001363410.2, NM_022458.4, NM_001363409.2 and 1 more transcripts); c.-33-223A>G (NM_001350958.2, NM_001350956.2, NM_001350955.2 and 1 more transcripts); c.55-223A>G (NM_001350957.2, NM_001363411.2).
Identifiers: ClinVar variation 2013386 (VCV002013386.4), dbSNP rs546385675, ClinGen allele CA2580077755.